The following is an entry in ClinVar:

ClinVar aggregate classification (germline): Uncertain significance (1 of 4 stars; one submission).

Conditions:
Immunodeficiency 25. Also called: Immunodeficiency due to defect in cd3-zeta, somatic. Identifiers: MedGen C1857798, MONDO:0012426, OMIM 610163.

Allele frequency attached by ClinVar (database versions not stated): gnomAD exomes below 0.00001 and 0.00001; ExAC 0.00001.
gnomAD v4.1: 13 of 1,613,928 alleles (0.00081%); highest among the groups gnomAD compares: Non-Finnish European, 0.0011%; no homozygotes.

Submission:

Labcorp Genetics (formerly Invitae), Labcorp
Classification: Uncertain significance for Immunodeficiency 25. Last evaluated: 2023-08-04. Review status: criteria provided, single submitter. Criteria: Invitae Variant Classification Sherloc (09022015). Collection method: clinical testing. Allele origin: germline.
Comment: An algorithm developed to predict the effect of missense changes on protein structure and function (PolyPhen-2) suggests that this variant is likely to be disruptive. This sequence change replaces isoleucine, which is neutral and non-polar, with valine, which is neutral and non-polar, at codon 38 of the CD247 protein (p.Ile38Val). This variant is present in population databases (rs749227138, gnomAD no frequency). This variant has not been reported in the literature in individuals affected with CD247-related conditions. ClinVar contains an entry for this variant (Variation ID: 835176). In summary, the available evidence is currently insufficient to determine the role of this variant in disease. Therefore, it has been classified as a Variant of Uncertain Significance.

NM_198053.3(CD247):c.112A>G (p.Ile38Val)

Gene: CD247 (CD247 molecule; minus strand). Cytogenetic location: 1q24.2.
Variant type: single nucleotide variant.
Coding change: c.112A>G on transcript NM_198053.3 (MANE Select); coding-DNA position 112, A replaced by G.
Protein change: p.Ile38Val; replaces isoleucine 38 with valine.
Molecular consequence: missense variant.
Genome position (GRCh38, 1-based): chr1:167,440,714, T>C on the plus strand (A>G on the coding strand, the complement: CD247 is on the minus strand). VCF-style: chr1-167440714-T-C. GRCh37 (hg19) VCF-style: chr1-167409951-T-C.
Other names: c.112A>G, p.Ile38Val (NM_000734.4); c.205A>G, p.Ile69Val (NM_001378515.1, NM_001378516.1); short protein forms I38V, I69V.
Identifiers: ClinVar variation 835176 (VCV000835176.4), dbSNP rs749227138, ClinGen allele CA1226108.